The following is an entry in ClinVar:

NM_001351132.2(PEX5):c.1380A>T (p.Gly460=)

Gene: PEX5 (peroxisomal biogenesis factor 5; plus strand). Cytogenetic location: 12p13.31.
Variant type: single nucleotide variant.
Coding change: c.1380A>T on transcript NM_001351132.2 (MANE Select); coding-DNA position 1380, A replaced by T.
Protein change: p.Gly460=; no amino-acid change (glycine 460 retained).
Molecular consequence: synonymous variant.
Genome position (GRCh38, 1-based): chr12:7,208,655, A>T. VCF-style: chr12-7208655-A-T. GRCh37 (hg19) VCF-style: chr12-7361251-A-T.
Other names: c.1380A>T (NM_001131025.1); c.1356A>T, p.Gly452= (NM_000319.5); c.1425A>T, p.Gly475= (NM_001131023.2); c.1269A>T, p.Gly423= (NM_001131024.2, NM_001351124.3, NM_001351126.2 and 7 more transcripts); c.1380A>T, p.Gly460= (NM_001131025.2, NM_001131026.2, NM_001300789.3 and 4 more transcripts); c.1314A>T, p.Gly438= (NM_001351135.3, NM_001351138.2); c.1371A>T, p.Gly457= (NM_001351136.2); c.1245A>T, p.Gly415= (NM_001351139.2, NM_001351140.2, NM_001374649.2).
Identifiers: ClinVar variation 1127577 (VCV001127577.10), dbSNP rs2136238100, ClinGen allele CA478186844.

ClinVar aggregate classification (germline): Likely benign. Review status: criteria provided, multiple submitters, no conflicts (2 of 4 stars). 2 submissions from 2 submitters: Likely benign (2). Last evaluated 2026-04-07.

Conditions:
PEX5-related disorder. Also called: PEX5-related condition; PEX5-Related Disorders.
Peroxisome biogenesis disorder 2B (PBD2B). Identifiers: Orphanet 44, MedGen C3550234, MONDO:0008736, OMIM 202370.

Submissions (2):

PreventionGenetics, part of Exact Sciences
Classification: Likely benign for PEX5-related condition. Last evaluated: 2026-04-07. Review status: criteria provided, single submitter. Criteria: ACMG Guidelines, 2015. Collection method: clinical testing. Allele origin: germline.
Comment: This variant is classified as likely benign based on ACMG/AMP sequence variant interpretation guidelines (Richards et al. 2015 PMID: 25741868, with internal and published modifications).

Labcorp Genetics (formerly Invitae), Labcorp
Classification: Likely benign for Peroxisome biogenesis disorder 2B. Last evaluated: 2025-02-27. Review status: criteria provided, single submitter. Criteria: Invitae Variant Classification Sherloc (09022015). Collection method: clinical testing. Allele origin: germline.